The following is an entry in ClinVar:

ClinVar aggregate classification (germline): Pathogenic (1 of 4 stars; one submission).

Conditions:
Early-infantile DEE. Also called: Early infantile epileptic encephalopathy; Ohtahara syndrome; Early infantile epileptic encephalopathy with suppression bursts. Identifiers: Orphanet 1934, MedGen C0393706, MONDO:0800491.

Submission:

Labcorp Genetics (formerly Invitae), Labcorp
Classification: Pathogenic for Early-infantile DEE. Last evaluated: 2025-08-21. Review status: criteria provided, single submitter. Criteria: Invitae Variant Classification Sherloc (09022015). Collection method: clinical testing. Allele origin: germline.
Comment: This sequence change replaces isoleucine, which is neutral and non-polar, with asparagine, which is neutral and polar, at codon 810 of the SCN1A protein (p.Ile810Asn). This variant is not present in population databases (gnomAD no frequency). This missense change has been observed in individual(s) with early onset seizures (PMID: 29573403; internal data). In at least one individual the variant was observed to be de novo. ClinVar contains an entry for this variant (Variation ID: 948891). Invitae Evidence Modeling of protein sequence and biophysical properties (such as structural, functional, and spatial information, amino acid conservation, physicochemical variation, residue mobility, and thermodynamic stability) indicates that this missense variant is expected to disrupt SCN1A protein function with a positive predictive value of 95%. For these reasons, this variant has been classified as Pathogenic.

Literature cited by the submitters: PubMed 29573403.

NM_001165963.4(SCN1A):c.2429T>A (p.Ile810Asn)

Gene: SCN1A (sodium voltage-gated channel alpha subunit 1; minus strand). Cytogenetic location: 2q24.3.
Variant type: single nucleotide variant.
Coding change: c.2429T>A on transcript NM_001165963.4 (MANE Select); coding-DNA position 2429, T replaced by A.
Protein change: p.Ile810Asn; replaces isoleucine 810 with asparagine.
Molecular consequence: missense variant. On other transcripts: 5 prime UTR variant (1), non-coding transcript variant (1).
Genome position (GRCh38, 1-based): chr2:166,039,583, A>T on the plus strand (T>A on the coding strand, the complement: SCN1A is on the minus strand). VCF-style: chr2-166039583-A-T. GRCh37 (hg19) VCF-style: chr2-166896093-A-T.
Other names: c.2345T>A, p.Ile782Asn (NM_001165964.3, NM_001353957.2, NM_001353958.2); c.2429T>A, p.Ile810Asn (NM_001202435.3, NM_001353948.2); c.2396T>A, p.Ile799Asn (NM_001353949.2, NM_001353950.2, NM_001353951.2 and 2 more transcripts); c.2393T>A, p.Ile798Asn (NM_001353954.2, NM_001353955.2); c.2342T>A, p.Ile781Asn (NM_001353960.2); c.-14T>A (NM_001353961.2); short protein forms I798N, I799N, I781N, I782N, I810N.
Identifiers: ClinVar variation 948891 (VCV000948891.10), dbSNP rs1696888691, ClinGen allele CA349062770.